The following is an entry in ClinVar:

NM_032444.4(SLX4):c.3861G>A (p.Val1287=)

Gene: SLX4 (SLX4 structure-specific endonuclease subunit; minus strand). Cytogenetic location: 16p13.3.
Variant type: single nucleotide variant.
Coding change: c.3861G>A on transcript NM_032444.4 (MANE Select); coding-DNA position 3861, G replaced by A.
Protein change: p.Val1287=; no amino-acid change (valine 1287 retained).
Molecular consequence: synonymous variant.
Genome position (GRCh38, 1-based): chr16:3,589,777, C>T on the plus strand (G>A on the coding strand, the complement: SLX4 is on the minus strand). VCF-style: chr16-3589777-C-T. GRCh37 (hg19) VCF-style: chr16-3639778-C-T.
Other names: c.3861G>A (NM_032444.3).
Identifiers: ClinVar variation 1137943 (VCV001137943.12), dbSNP rs756446820, ClinGen allele CA7865806.
Genomic context (GRCh38, chr16:3,589,777, plus strand): 5'-CTTCTGTGCGACTTCGTTCCCTTCCCTGTTTCCTACTGAGGCCCTGGGCGTGTGCTGAGT[C>T]ACCGCCTGCACGGCCAGCCCGCTCCTGAGGCTGCTGATTTGGGTCTGGGAAGAACAGTCA-3'
Protein context (NP_115820.2, residues 1277-1297): SLRSGLAVQA[Val1287=]TQHTPRASVG

ClinVar aggregate classification (germline): Likely benign. Review status: criteria provided, multiple submitters, no conflicts (2 of 4 stars). 3 submissions from 3 submitters: Likely benign (2). 1 of the submissions does not count toward it. Last evaluated 2024-08-05.

Conditions:
SLX4-related disorder. Also called: SLX4-related condition.
Fanconi anemia (FA). Also called: Fanconi's anemia. Identifiers: Orphanet 84, MedGen C0015625, MeSH D005199, MONDO:0019391.

Allele frequency attached by ClinVar (database versions not stated): TOPMed 0.00004; gnomAD 0.00006 and 0.00007.
gnomAD v4.1: 30 of 1,613,426 alleles (0.0019%); highest among the groups gnomAD compares: Admixed American, 0.018%; no homozygotes.

Submissions (3):

Labcorp Genetics (formerly Invitae), Labcorp
Classification: Likely benign for Fanconi anemia. Last evaluated: 2024-08-05. Review status: criteria provided, single submitter. Criteria: Invitae Variant Classification Sherloc (09022015). Collection method: clinical testing. Allele origin: germline.

Blueprint Genetics
Classification: Likely benign. Last evaluated: 2023-04-14. Review status: criteria provided, single submitter. Criteria: ACMG Guidelines, 2015. Collection method: clinical testing. Allele origin: germline.

PreventionGenetics, part of Exact Sciences
Classification: Likely benign for SLX4-related condition. Last evaluated: 2023-09-20. Review status: no assertion criteria provided. Collection method: clinical testing. Allele origin: germline. Not counted in ClinVar's aggregate classification.
Comment: This variant is classified as likely benign based on ACMG/AMP sequence variant interpretation guidelines (Richards et al. 2015 PMID: 25741868, with internal and published modifications).